The following is an entry in ClinVar:

ClinVar aggregate classification (germline): Likely benign. Review status: criteria provided, multiple submitters, no conflicts (2 of 4 stars). 2 submissions from 2 submitters: Likely benign (2). Last evaluated 2025-10-15.

Conditions:
GRIA4-related disorder. Also called: GRIA4-related condition.

gnomAD v4.1: 228 of 1,580,920 alleles (0.014%); highest among the groups gnomAD compares: Middle Eastern, 0.034%; no homozygotes.

Submissions (2):

PreventionGenetics, part of Exact Sciences
Classification: Likely benign for GRIA4-related condition. Last evaluated: 2025-10-15. Review status: criteria provided, single submitter. Criteria: ACMG Guidelines, 2015. Collection method: clinical testing. Allele origin: germline.
Comment: This variant is classified as likely benign based on ACMG/AMP sequence variant interpretation guidelines (Richards et al. 2015 PMID: 25741868, with internal and published modifications).

Blueprint Genetics
Classification: Likely benign. Last evaluated: 2024-09-04. Review status: criteria provided, single submitter. Criteria: ACMG Guidelines, 2015. Collection method: clinical testing. Allele origin: germline.

NM_000829.4(GRIA4):c.488-10T>C

Gene: GRIA4 (glutamate ionotropic receptor AMPA type subunit 4; plus strand). Cytogenetic location: 11q22.3.
Variant type: single nucleotide variant.
Coding change: c.488-10T>C on transcript NM_000829.4 (MANE Select); 10 bases into the intron before coding-DNA position 488, T replaced by C.
Molecular consequence: intron variant.
Genome position (GRCh38, 1-based): chr11:105,862,014, T>C. VCF-style: chr11-105862014-T-C. GRCh37 (hg19) VCF-style: chr11-105732740-T-C.
Other names: c.488-10T>C (NM_001440383.1, NM_001440386.1, NM_001440395.1 and 21 more transcripts).
Identifiers: ClinVar variation 4913864 (VCV004913864.2).
Genomic context (GRCh38, chr11:105,862,014, plus strand): 5'-CTCAGTACCTGCATACATCATTAAAGGGGAGTAAAAGCATGTTTTTAGTAACTTTTTTTT[T>C]CCCCAATAGGATACTCGATACTCCAAGCTATTATGGAAAAAGCAGGACAAAATGGTTGGC-3'